The following is an entry in ClinVar:

NM_000747.3(CHRNB1):c.472T>C (p.Phe158Leu)

Gene: CHRNB1 (cholinergic receptor nicotinic beta 1 subunit; plus strand). Cytogenetic location: 17p13.1.
Variant type: single nucleotide variant.
Coding change: c.472T>C on transcript NM_000747.3 (MANE Select); coding-DNA position 472, T replaced by C.
Protein change: p.Phe158Leu; replaces phenylalanine 158 with leucine.
Molecular consequence: missense variant.
Genome position (GRCh38, 1-based): chr17:7,447,512, T>C. VCF-style: chr17-7447512-T-C. GRCh37 (hg19) VCF-style: chr17-7350831-T-C.
Other names: c.472T>C (NM_000747.2); short protein forms F158L.
Identifiers: ClinVar variation 1021952 (VCV001021952.9), dbSNP rs961261483, ClinGen allele CA287424675.

ClinVar aggregate classification (germline): Uncertain significance. Review status: criteria provided, multiple submitters, no conflicts (2 of 4 stars). 2 submissions from 2 submitters: Uncertain significance (2). Last evaluated 2025-06-10.

Conditions:
Congenital myasthenic syndrome 2A. Also called: Myasthenic syndrome, congenital, 2a, slow-channel. Identifiers: Orphanet 590, MedGen C4225374, MONDO:0014581, OMIM 616313.

Allele frequency attached by ClinVar (database versions not stated): gnomAD exomes below 0.00001 and 0.00002; TOPMed below 0.00001; gnomAD 0.00001.
gnomAD v4.1: 35 of 1,614,062 alleles (0.0022%); highest among the groups gnomAD compares: Non-Finnish European, 0.0028%; no homozygotes.

Submissions (2):

GeneDx
Classification: Uncertain significance. Last evaluated: 2025-06-10. Review status: criteria provided, single submitter. Criteria: GeneDx Variant Classification Process June 2021. Collection method: clinical testing. Allele origin: germline. Affected: yes.
Comment: In silico analysis supports that this missense variant has a deleterious effect on protein structure/function; Has not been previously published as pathogenic or benign to our knowledge

Labcorp Genetics (formerly Invitae), Labcorp
Classification: Uncertain significance for Congenital myasthenic syndrome 2A. Last evaluated: 2024-02-14. Review status: criteria provided, single submitter. Criteria: Invitae Variant Classification Sherloc (09022015). Collection method: clinical testing. Allele origin: germline.
Comment: This sequence change replaces phenylalanine, which is neutral and non-polar, with leucine, which is neutral and non-polar, at codon 158 of the CHRNB1 protein (p.Phe158Leu). This variant is present in population databases (no rsID available, gnomAD 0.0009%). This variant has not been reported in the literature in individuals affected with CHRNB1-related conditions. ClinVar contains an entry for this variant (Variation ID: 1021952). Advanced modeling of protein sequence and biophysical properties (such as structural, functional, and spatial information, amino acid conservation, physicochemical variation, residue mobility, and thermodynamic stability) performed at Invitae indicates that this missense variant is expected to disrupt CHRNB1 protein function with a positive predictive value of 80%. In summary, the available evidence is currently insufficient to determine the role of this variant in disease. Therefore, it has been classified as a Variant of Uncertain Significance.